The following is an entry in ClinVar:

ClinVar aggregate classification (germline): Uncertain significance. Review status: criteria provided, multiple submitters, no conflicts (2 of 4 stars). 2 submissions from 2 submitters: Uncertain significance (2). Last evaluated 2025-05-14.

Allele frequency attached by ClinVar (database versions not stated): ESP Exome Variant Server 0.00008; 1000 Genomes Project 0.00020; gnomAD 0.00010; 1000 Genomes Project 30x 0.00016.
gnomAD v4.1: 323 of 1,614,012 alleles (0.02%); highest among the groups gnomAD compares: Non-Finnish European, 0.026%; 1 homozygote.

Submissions (2):

Labcorp Genetics (formerly Invitae), Labcorp
Classification: Uncertain significance. Last evaluated: 2025-05-14. Review status: criteria provided, single submitter. Criteria: Invitae Variant Classification Sherloc (09022015). Collection method: clinical testing. Allele origin: germline.
Comment: This sequence change replaces arginine, which is basic and polar, with serine, which is neutral and polar, at codon 324 of the BUB1 protein (p.Arg324Ser). This variant is present in population databases (rs200486519, gnomAD 0.01%). This variant has not been reported in the literature in individuals affected with BUB1-related conditions. ClinVar contains an entry for this variant (Variation ID: 1767933). Experimental studies and prediction algorithms are not available or were not evaluated, and the functional significance of this variant is currently unknown. In summary, the available evidence is currently insufficient to determine the role of this variant in disease. Therefore, it has been classified as a Variant of Uncertain Significance.

Ambry Genetics
Classification: Uncertain significance. Last evaluated: 2024-10-04. Review status: criteria provided, single submitter. Criteria: Ambry Variant Classification Scheme 2023. Collection method: clinical testing. Allele origin: germline.
Comment: The p.R324S variant (also known as c.970C>A), located in coding exon 10 of the BUB1 gene, results from a C to A substitution at nucleotide position 970. The arginine at codon 324 is replaced by serine, an amino acid with dissimilar properties. This amino acid position is conserved. In addition, this alteration is predicted to be tolerated by in silico analysis. Since supporting evidence is limited at this time, the clinical significance of this alteration remains unclear.

NM_004336.5(BUB1):c.970C>A (p.Arg324Ser)

Gene: BUB1 (BUB1 mitotic checkpoint serine/threonine kinase; minus strand). Cytogenetic location: 2q13.
Variant type: single nucleotide variant.
Coding change: c.970C>A on transcript NM_004336.5 (MANE Select); coding-DNA position 970, C replaced by A.
Protein change: p.Arg324Ser; replaces arginine 324 with serine.
Molecular consequence: missense variant.
Genome position (GRCh38, 1-based): chr2:110,661,829, G>T on the plus strand (C>A on the coding strand, the complement: BUB1 is on the minus strand). VCF-style: chr2-110661829-G-T. GRCh37 (hg19) VCF-style: chr2-111419406-G-T.
Other names: c.910C>A, p.Arg304Ser (NM_001278616.2); c.970C>A, p.Arg324Ser (NM_001278617.2); short protein forms R324S, R304S.
Identifiers: ClinVar variation 1767933 (VCV001767933.5), dbSNP rs200486519, ClinGen allele CA1828183.